The following is an entry in ClinVar:

NM_182919.4(TICAM1):c.1902C>G (p.His634Gln)

Gene: TICAM1 (TIR domain containing adaptor molecule 1; minus strand). Cytogenetic location: 19p13.3.
Variant type: single nucleotide variant.
Coding change: c.1902C>G on transcript NM_182919.4 (MANE Select); coding-DNA position 1902, C replaced by G.
Protein change: p.His634Gln; replaces histidine 634 with glutamine.
Molecular consequence: missense variant.
Genome position (GRCh38, 1-based): chr19:4,816,476, G>C on the plus strand (C>G on the coding strand, the complement: TICAM1 is on the minus strand). VCF-style: chr19-4816476-G-C. GRCh37 (hg19) VCF-style: chr19-4816488-G-C.
Other names: short protein forms H634Q.
Identifiers: ClinVar variation 937595 (VCV000937595.10), dbSNP rs747059000, ClinGen allele CA9105041.
Genomic context (GRCh38, chr19:4,816,476, plus strand): 5'-TGACTGTGGAAAGGCTGCTGGCTGTGGGGAGGGCGGTGGGGGGGTGCCAGCCTGCCATGC[G>C]TGCAGGGGTGGCGGCTGCGGGCACCCCGGCCAAGTGGGAAAGGGTGGCGGGGCTCCCAGG-3'
Protein context (NP_891549.1, residues 624-644): WPGCPQPPPL[His634Gln]AWQAGTPPPP

ClinVar aggregate classification (germline): Uncertain significance (1 of 4 stars; one submission).

Conditions:
Encephalopathy, acute, infection-induced (herpes-specific), susceptibility to, 6. Also called: Herpes simplex encephalitis, susceptibility to, 4. Identifiers: Orphanet 1930, MedGen C3553869, MONDO:0013921, OMIM 614850.

gnomAD v4.1: 8 of 1,568,262 alleles (0.00051%); highest among the groups gnomAD compares: South Asian, 0.0024%; no homozygotes.

Submission:

Labcorp Genetics (formerly Invitae), Labcorp
Classification: Uncertain significance for Encephalopathy, acute, infection-induced (herpes-specific), susceptibility to, 6. Last evaluated: 2019-09-11. Review status: criteria provided, single submitter. Criteria: Invitae Variant Classification Sherloc (09022015). Collection method: clinical testing. Allele origin: germline.
Comment: This sequence change replaces histidine with glutamine at codon 634 of the TICAM1 protein (p.His634Gln). The histidine residue is moderately conserved and there is a small physicochemical difference between histidine and glutamine. This variant is present in population databases (rs747059000, ExAC 0.002%). This variant has not been reported in the literature in individuals with TICAM1-related conditions. Algorithms developed to predict the effect of missense changes on protein structure and function (SIFT, PolyPhen-2, Align-GVGD) all suggest that this variant is likely to be tolerated, but these predictions have not been confirmed by published functional studies and their clinical significance is uncertain. Algorithms developed to predict the effect of sequence changes on RNA splicing suggest that this variant may create or strengthen a splice site, but this prediction has not been confirmed by published transcriptional studies. In summary, the available evidence is currently insufficient to determine the role of this variant in disease. Therefore, it has been classified as a Variant of Uncertain Significance.